The following is an entry in ClinVar:

ClinVar aggregate classification (germline): Pathogenic/Likely pathogenic. Review status: criteria provided, multiple submitters, no conflicts (2 of 4 stars). 5 submissions from 5 submitters: Pathogenic (3); Likely pathogenic (1). 1 of the submissions does not count toward it. Last evaluated 2025-07-29.

Conditions:
Neuronal ceroid lipofuscinosis 1 (CLN1). Also called: CEROID LIPOFUSCINOSIS, NEURONAL, 1, VARIABLE AGE AT ONSET; PPT1-Related Neuronal Ceroid-Lipofuscinosis. Identifiers: Orphanet 228329, MedGen C1850451, MONDO:0009744, OMIM 256730.

Allele frequency attached by ClinVar (database versions not stated): gnomAD exomes below 0.00001; ExAC 0.00001; TOPMed 0.00001.
gnomAD v4.1: 3 of 1,614,104 alleles (0.00019%); highest among the groups gnomAD compares: Non-Finnish European, 0.00025%; no homozygotes.

Submissions (5):

Labcorp Genetics (formerly Invitae), Labcorp
Classification: Pathogenic for Neuronal ceroid lipofuscinosis 1. Last evaluated: 2025-07-29. Review status: criteria provided, single submitter. Criteria: Invitae Variant Classification Sherloc (09022015). Collection method: clinical testing. Allele origin: germline.
Comment: This sequence change affects an acceptor splice site in intron 7 of the PPT1 gene. It is expected to disrupt RNA splicing. Variants that disrupt the donor or acceptor splice site typically lead to a loss of protein function (PMID: 16199547), and loss-of-function variants in PPT1 are known to be pathogenic (PMID: 10679943, 21990111). This variant is present in population databases (rs386833664, gnomAD 0.0009%). Disruption of this splice site has been observed in individual(s) with neuronal ceroid lipofuscinosis (PMID: 9664077). This variant is also known as T (IVS7, -2). ClinVar contains an entry for this variant (Variation ID: 56213). Algorithms developed to predict the effect of sequence changes on RNA splicing suggest that this variant may disrupt the consensus splice site. For these reasons, this variant has been classified as Pathogenic.

Baylor Genetics
Classification: Pathogenic for Neuronal ceroid lipofuscinosis 1. Last evaluated: 2024-03-04. Review status: criteria provided, single submitter. Criteria: ACMG Guidelines, 2015. Collection method: clinical testing. Allele origin: unknown.

GeneDx
Classification: Likely pathogenic. Last evaluated: 2017-01-31. Review status: criteria provided, single submitter. Criteria: GeneDx Variant Classification (06012015). Collection method: clinical testing. Allele origin: germline. Affected: yes.
Comment: A c.727-2 A>T variant that is likely pathogenic has been identified in the PPT1 gene. The c.727-2 A>T variant was previously reported in one patient with infantile neuronal ceroid lipofuscinoses, with known palmitoyl-protein thioesterase deficiency, who also harbored a second PPT1 pathogenic variant, however phase was not reported (Das et al., 1998). The c.727-2 A>T variant is not observed at a significant frequency in large population cohorts (Lek et al., 2016; 1000 Genomes Consortium et al., 2015; Exome Variant Server). The c.727-2 A>T splice site variant gene destroys the canonical splice acceptor site in intron 7. It is predicted to cause abnormal gene splicing, either leading to an abnormal message that is subject to nonsense-mediated mRNA decay, or to an abnormal protein product if the message is used for protein translation. Therefore, this variant is likely pathogenic; however, the possibility that it is benign cannot be excluded.

Center for Pediatric Genomic Medicine, Children's Mercy Hospital and Clinics
Classification: Pathogenic. Last evaluated: 2016-03-28. Review status: criteria provided, single submitter. Criteria: ACMG Guidelines, 2015. Collection method: clinical testing. Allele origin: germline.

Juha Muilu Group; Institute for Molecular Medicine Finland (FIMM)
Classification: Likely pathogenic for Ceroid lipofuscinosis neuronal 1. Review status: no assertion criteria provided. Collection method: not provided. Allele origin: unknown. Not counted in ClinVar's aggregate classification.
Comment: FinDis database variant: This variant was not found or characterized by our laboratory, data were collected from public sources: see reference
ClinVar note: Converted during submission from probable-pathogenic to Likely pathogenic.

Literature cited by the submitters: PubMed 16199547 (cited by Labcorp Genetics (formerly Invitae), Labcorp); PubMed 10679943 (cited by Labcorp Genetics (formerly Invitae), Labcorp); PubMed 21990111 (cited by Labcorp Genetics (formerly Invitae), Labcorp); PubMed 9664077 (cited by Labcorp Genetics (formerly Invitae), Labcorp).

NM_000310.4(PPT1):c.727-2A>T

Gene: PPT1 (palmitoyl-protein thioesterase 1; minus strand). Cytogenetic location: 1p34.2.
Variant type: single nucleotide variant.
Coding change: c.727-2A>T on transcript NM_000310.4 (MANE Select); the canonical splice acceptor site of the intron before coding-DNA position 727, A replaced by T.
Molecular consequence: splice acceptor variant. On other transcripts: intron variant (1).
Genome position (GRCh38, 1-based): chr1:40,076,915, T>A on the plus strand (A>T on the coding strand, the complement: PPT1 is on the minus strand). VCF-style: chr1-40076915-T-A. GRCh37 (hg19) VCF-style: chr1-40542587-T-A.
Other names: c.418-2A>T (NM_001142604.2); c.726+1645A>T (NM_001363695.2).
Identifiers: ClinVar variation 56213 (VCV000056213.13), dbSNP rs386833664, ClinGen allele CA263545.
Genomic context (GRCh38, chr1:40,076,915, plus strand): 5'-GAGGTCTCCTGTAAGGGAATGGTTTCCTTGGCTTGGCCACTTCTGTAAAATCCAAACCAC[T>A]GCAGAAGAAGCAAAGGAAAGAAGCTCAGATATGACACACAGCACATACTGCCAAAATAAT-3'